The following is an entry in ClinVar:

NM_052947.4(ALPK2):c.6352C>G (p.Leu2118Val)

Gene: ALPK2 (alpha kinase 2; minus strand). Cytogenetic location: 18q21.31.
Variant type: single nucleotide variant.
Coding change: c.6352C>G on transcript NM_052947.4 (MANE Select); coding-DNA position 6352, C replaced by G.
Protein change: p.Leu2118Val; replaces leucine 2118 with valine.
Molecular consequence: missense variant.
Genome position (GRCh38, 1-based): chr18:58,481,984, G>C on the plus strand (C>G on the coding strand, the complement: ALPK2 is on the minus strand). VCF-style: chr18-58481984-G-C. GRCh37 (hg19) VCF-style: chr18-56149216-G-C.
Other names: short protein forms L2118V.
Identifiers: ClinVar variation 2564127 (VCV002564127.2), dbSNP rs368005415, ClinGen allele CA402538683.

ClinVar aggregate classification (germline): Uncertain significance (1 of 4 stars; one submission).

Submission:

Ambry Genetics
Classification: Uncertain significance. Last evaluated: 2023-06-12. Review status: criteria provided, single submitter. Criteria: Ambry Variant Classification Scheme 2023. Collection method: clinical testing. Allele origin: germline.
Comment: The p.L2118V variant (also known as c.6352C>G), located in coding exon 12 of the ALPK2 gene, results from a C to G substitution at nucleotide position 6352. The leucine at codon 2118 is replaced by valine, an amino acid with highly similar properties. This amino acid position is conserved. In addition, this alteration is predicted to be tolerated by in silico analysis. Since supporting evidence is limited at this time, the clinical significance of this alteration remains unclear.